The following is an entry in ClinVar:

ClinVar aggregate classification (germline): Likely benign. Review status: criteria provided, multiple submitters, no conflicts (2 of 4 stars). 3 submissions from 3 submitters: Likely benign (3). Last evaluated 2025-09-09.

Conditions:
Arrhythmogenic right ventricular cardiomyopathy (ARVD). Also called: Arrhythmogenic cardiomyopathy; Cardiomyopathy, ARVC; Arrhythmogenic right ventricular dysplasia; Arrhythmogenic Right Ventricular Cardiomyopathy (ARVC). Identifiers: Orphanet 247, MedGen C0349788, MeSH D019571, MONDO:0016587. Disease mechanism: loss of function. Inheritance: Various modes of inheritance.
Cardiomyopathy (CMYO). Also called: Cardiomyopathies. Identifiers: Orphanet 167848, MedGen C0878544, MONDO:0004994, HP:0001638. Inheritance: Various modes of inheritance.
Arrhythmogenic right ventricular dysplasia 9 (ARVD9). Also called: Arrhythmogenic Right Ventricular Dysplasia/Cardiomyopathy 9; ARRHYTHMOGENIC RIGHT VENTRICULAR DYSPLASIA, FAMILIAL, 9. Identifiers: MedGen C1836906, MONDO:0012180, OMIM 609040.

Allele frequency attached by ClinVar (database versions not stated): gnomAD exomes below 0.00001 and 0.00003; TOPMed 0.00001; gnomAD 0.00002.
gnomAD v4.1: 40 of 1,613,848 alleles (0.0025%); highest among the groups gnomAD compares: Non-Finnish European, 0.0033%; no homozygotes.

Submissions (3):

Labcorp Genetics (formerly Invitae), Labcorp
Classification: Likely benign for Arrhythmogenic right ventricular dysplasia 9. Last evaluated: 2025-09-09. Review status: criteria provided, single submitter. Criteria: Invitae Variant Classification Sherloc (09022015). Collection method: clinical testing. Allele origin: germline.

All of Us Research Program, National Institutes of Health
Classification: Likely benign for Arrhythmogenic right ventricular cardiomyopathy. Last evaluated: 2023-12-13. Review status: criteria provided, single submitter. Criteria: ACMG Guidelines, 2015. Collection method: clinical testing. Allele origin: germline. Inheritance: Autosomal dominant inheritance. Observed: 4 variant alleles, 4 heterozygotes.
Comment: This study involves interpretation of variants in research participants for the purpose of population health screening. Participant phenotype was not available at the time of variant classification. Additional details can be found in publication PMID: 35346344, PMCID: PMC8962531

Color Diagnostics, LLC DBA Color Health
Classification: Likely benign for Cardiomyopathy. Last evaluated: 2019-10-22. Review status: criteria provided, single submitter. Criteria: ACMG Guidelines, 2015. Collection method: clinical testing. Allele origin: germline.

NM_001005242.3(PKP2):c.1840-7T>C

Gene: PKP2 (plakophilin 2; minus strand). Cytogenetic location: 12p11.21.
Variant type: single nucleotide variant.
Coding change: c.1840-7T>C on transcript NM_001005242.3 (MANE Select); 7 bases into the intron before coding-DNA position 1840, T replaced by C.
Molecular consequence: intron variant.
Genome position (GRCh38, 1-based): chr12:32,821,536, A>G on the plus strand (T>C on the coding strand, the complement: PKP2 is on the minus strand). VCF-style: chr12-32821536-A-G. GRCh37 (hg19) VCF-style: chr12-32974470-A-G.
Other names: c.1972-7T>C (NM_004572.4).
Identifiers: ClinVar variation 923247 (VCV000923247.11), dbSNP rs1362643840, ClinGen allele CA604225679.